The following is an entry in ClinVar:

ClinVar aggregate classification (germline): Uncertain significance (1 of 4 stars; one submission).

Allele frequency attached by ClinVar (database versions not stated): gnomAD exomes below 0.00001.
gnomAD v4.1: 1 of 1,614,140 alleles (0.000062%); highest among the groups gnomAD compares: Middle Eastern, 0.016%; no homozygotes.

Submission:

Labcorp Genetics (formerly Invitae), Labcorp
Classification: Uncertain significance. Last evaluated: 2022-07-15. Review status: criteria provided, single submitter. Criteria: Invitae Variant Classification Sherloc (09022015). Collection method: clinical testing. Allele origin: germline.
Comment: ClinVar contains an entry for this variant (Variation ID: 1477703). This variant has not been reported in the literature in individuals affected with LRP2-related conditions. This variant is not present in population databases (gnomAD no frequency). This sequence change replaces glutamine, which is neutral and polar, with arginine, which is basic and polar, at codon 68 of the LRP2 protein (p.Gln68Arg). Advanced modeling of protein sequence and biophysical properties (such as structural, functional, and spatial information, amino acid conservation, physicochemical variation, residue mobility, and thermodynamic stability) performed at Invitae indicates that this missense variant is not expected to disrupt LRP2 protein function. In summary, the available evidence is currently insufficient to determine the role of this variant in disease. Therefore, it has been classified as a Variant of Uncertain Significance.

NM_004525.3(LRP2):c.203A>G (p.Gln68Arg)

Gene: LRP2 (LDL receptor related protein 2; minus strand). Cytogenetic location: 2q31.1.
Variant type: single nucleotide variant.
Coding change: c.203A>G on transcript NM_004525.3 (MANE Select); coding-DNA position 203, A replaced by G.
Protein change: p.Gln68Arg; replaces glutamine 68 with arginine.
Molecular consequence: missense variant.
Genome position (GRCh38, 1-based): chr2:169,318,869, T>C on the plus strand (A>G on the coding strand, the complement: LRP2 is on the minus strand). VCF-style: chr2-169318869-T-C. GRCh37 (hg19) VCF-style: chr2-170175379-T-C.
Other names: short protein forms Q68R.
Identifiers: ClinVar variation 1477703 (VCV001477703.6), dbSNP rs2105513338, ClinGen allele CA349173938.